The following is an entry in ClinVar:

NM_006648.4(WNK2):c.4949C>A (p.Pro1650His)

Gene: WNK2 (WNK lysine deficient protein kinase 2; plus strand). Cytogenetic location: 9q22.31.
Variant type: single nucleotide variant.
Coding change: c.4949C>A on transcript NM_006648.4 (MANE Select); coding-DNA position 4949, C replaced by A.
Protein change: p.Pro1650His; replaces proline 1650 with histidine.
Molecular consequence: missense variant.
Genome position (GRCh38, 1-based): chr9:93,292,320, C>A. VCF-style: chr9-93292320-C-A. GRCh37 (hg19) VCF-style: chr9-96054602-C-A.
Other names: c.5060C>A, p.Pro1687His (NM_001282394.3); short protein forms P1687H, P1650H.
Identifiers: ClinVar variation 3816954 (VCV003816954.1).
Genomic context (GRCh38, chr9:93,292,320, plus strand): 5'-CCTCTTCCTCCTCCTTCAGCCCCAGTAACGTTTCTGATGTTCCCATAGCAGAGTCGTCTC[C>A]CAGGAGTATGCTAGGCTATGACAGAGATGGAAGGCAGGTGGCCTCAGACTCCCATGTGGT-3'
Protein context (NP_006639.3, residues 1640-1660): TSSSMTAESS[Pro1650His]RSMLGYDRDG

ClinVar aggregate classification (germline): Uncertain significance (1 of 4 stars; one submission).

gnomAD v4.1: 1 of 1,613,892 alleles (0.000062%); highest among the groups gnomAD compares: Non-Finnish European, 0.000085%; no homozygotes.

Submission:

Ambry Genetics
Classification: Uncertain significance. Last evaluated: 2025-01-31. Review status: criteria provided, single submitter. Criteria: Ambry Variant Classification Scheme 2023. Collection method: clinical testing. Allele origin: germline.
Comment: The p.P1650H variant (also known as c.4949C>A), located in coding exon 21 of the WNK2 gene, results from a C to A substitution at nucleotide position 4949. The proline at codon 1650 is replaced by histidine, an amino acid with similar properties. This amino acid position is conserved. In addition, this alteration is predicted to be tolerated by in silico analysis. Based on the available evidence, the clinical significance of this variant remains unclear.